The following is an entry in ClinVar:

NM_000297.4(PKD2):c.1487G>A (p.Arg496His)

Gene: PKD2 (polycystin 2, transient receptor potential cation channel; plus strand). Cytogenetic location: 4q22.1.
Variant type: single nucleotide variant.
Coding change: c.1487G>A on transcript NM_000297.4 (MANE Select); coding-DNA position 1487, G replaced by A.
Protein change: p.Arg496His; replaces arginine 496 with histidine.
Molecular consequence: missense variant. On other transcripts: non-coding transcript variant (1).
Genome position (GRCh38, 1-based): chr4:88,046,809, G>A. VCF-style: chr4-88046809-G-A. GRCh37 (hg19) VCF-style: chr4-88967961-G-A.
Other names: short protein forms R496H.
Identifiers: ClinVar variation 1032299 (VCV001032299.2), dbSNP rs746049242, ClinGen allele CA3003952.

ClinVar aggregate classification (germline): Uncertain significance. Review status: criteria provided, multiple submitters, no conflicts (2 of 4 stars). 2 submissions from 2 submitters: Uncertain significance (2). Last evaluated 2025-11-23.

Conditions:
Polycystic kidney disease 2 (PKD2). Also called: POLYCYSTIC KIDNEY DISEASE 2 WITH OR WITHOUT POLYCYSTIC LIVER DISEASE; Polycystic Kidney Disease 2, Autosomal Dominant; POLYCYSTIC KIDNEY DISEASE, ADULT, TYPE II. Identifiers: MedGen C2751306, MONDO:0013131, OMIM 613095.
Autosomal dominant polycystic kidney disease. Identifiers: Orphanet 730, MedGen C0085413, MONDO:0004691.

Allele frequency attached by ClinVar (database versions not stated): ExAC 0.00001; gnomAD exomes 0.00001; gnomAD 0.00003 and 0.00004; TOPMed 0.00003.
gnomAD v4.1: 88 of 1,611,768 alleles (0.0055%); highest among the groups gnomAD compares: Middle Eastern, 0.016%; no homozygotes.

Submissions (2):

Labcorp Genetics (formerly Invitae), Labcorp
Classification: Uncertain significance for Autosomal dominant polycystic kidney disease. Last evaluated: 2025-11-23. Review status: criteria provided, single submitter. Criteria: Invitae Variant Classification Sherloc (09022015). Collection method: clinical testing. Allele origin: germline.
Comment: This sequence change replaces arginine, which is basic and polar, with histidine, which is basic and polar, at codon 496 of the PKD2 protein (p.Arg496His). This variant is present in population databases (rs746049242, gnomAD 0.007%). This variant has not been reported in the literature in individuals affected with PKD2-related conditions. ClinVar contains an entry for this variant (Variation ID: 1032299). Invitae Evidence Modeling of protein sequence and biophysical properties (such as structural, functional, and spatial information, amino acid conservation, physicochemical variation, residue mobility, and thermodynamic stability) indicates that this missense variant is not expected to disrupt PKD2 protein function with a negative predictive value of 80%. In summary, the available evidence is currently insufficient to determine the role of this variant in disease. Therefore, it has been classified as a Variant of Uncertain Significance.

Baylor Genetics
Classification: Uncertain significance for Polycystic kidney disease 2. Last evaluated: 2018-05-10. Review status: criteria provided, single submitter. Criteria: ACMG Guidelines, 2015. Collection method: clinical testing. Allele origin: unknown. Affected: yes.
Comment: This variant was determined to be of uncertain significance according to ACMG Guidelines, 2015 [PMID:25741868].